The following is an entry in ClinVar:

ClinVar aggregate classification (germline): Uncertain significance (1 of 4 stars; one submission).

Submission:

GeneDx
Classification: Uncertain significance. Last evaluated: 2023-12-25. Review status: criteria provided, single submitter. Criteria: GeneDx Variant Classification Process June 2021. Collection method: clinical testing. Allele origin: germline. Affected: yes.
Comment: Not observed at significant frequency in large population cohorts (gnomAD); In silico analysis supports that this missense variant has a deleterious effect on protein structure/function; Has not been previously published as pathogenic or benign to our knowledge

NM_005676.5(RBM10):c.2422G>T (p.Asp808Tyr)

Gene: RBM10 (RNA binding motif protein 10; plus strand). Cytogenetic location: Xp11.3.
Variant type: single nucleotide variant.
Coding change: c.2422G>T on transcript NM_005676.5 (MANE Select); coding-DNA position 2422, G replaced by T.
Protein change: p.Asp808Tyr; replaces aspartic acid 808 with tyrosine.
Molecular consequence: missense variant.
Genome position (GRCh38, 1-based): chrX:47,185,782, G>T. VCF-style: chrX-47185782-G-T. GRCh37 (hg19) VCF-style: chrX-47045181-G-T.
Other names: c.2191G>T, p.Asp731Tyr (NM_001204466.2); c.2419G>T, p.Asp807Tyr (NM_001204467.2); c.2617G>T, p.Asp873Tyr (NM_001204468.2); c.2188G>T, p.Asp730Tyr (NM_152856.3); short protein forms D730Y, D731Y, D807Y, D808Y, D873Y.
Identifiers: ClinVar variation 3370087 (VCV003370087.1).